The following is an entry in ClinVar:

NM_018109.4(MTPAP):c.999C>G (p.Ala333=)

Gene: MTPAP (mitochondrial poly(A) polymerase; minus strand). Cytogenetic location: 10p11.23.
Variant type: single nucleotide variant.
Coding change: c.999C>G on transcript NM_018109.4 (MANE Select); coding-DNA position 999, C replaced by G.
Protein change: p.Ala333=; no amino-acid change (alanine 333 retained).
Molecular consequence: synonymous variant.
Genome position (GRCh38, 1-based): chr10:30,322,611, G>C on the plus strand (C>G on the coding strand, the complement: MTPAP is on the minus strand). VCF-style: chr10-30322611-G-C. GRCh37 (hg19) VCF-style: chr10-30611540-G-C.
Identifiers: ClinVar variation 3059530 (VCV003059530.2), dbSNP rs1161468596, ClinGen allele CA468801677.

ClinVar aggregate classification (germline): Likely benign (0 of 4 stars; one submission).

Conditions:
MTPAP-related disorder. Also called: MTPAP-related condition.

gnomAD v4.1: 1 of 1,607,482 alleles (0.000062%); highest among the groups gnomAD compares: African/African-American, 0.0013%; no homozygotes.

Submission:

PreventionGenetics, part of Exact Sciences
Classification: Likely benign for MTPAP-related condition. Last evaluated: 2022-02-02. Review status: no assertion criteria provided. Collection method: clinical testing. Allele origin: germline.
Comment: This variant is classified as likely benign based on ACMG/AMP sequence variant interpretation guidelines (Richards et al. 2015 PMID: 25741868, with internal and published modifications).